The following is an entry in ClinVar:

NM_014978.3(SORCS3):c.264G>T (p.Glu88Asp)

Gene: SORCS3 (sortilin related VPS10 domain containing receptor 3; plus strand). Cytogenetic location: 10q25.1.
Variant type: single nucleotide variant.
Coding change: c.264G>T on transcript NM_014978.3 (MANE Select); coding-DNA position 264, G replaced by T.
Protein change: p.Glu88Asp; replaces glutamic acid 88 with aspartic acid.
Molecular consequence: missense variant.
Genome position (GRCh38, 1-based): chr10:104,641,591, G>T. VCF-style: chr10-104641591-G-T. GRCh37 (hg19) VCF-style: chr10-106401349-G-T.
Other names: c.264G>T (NM_014978.2); short protein forms E88D.
Identifiers: ClinVar variation 2336280 (VCV002336280.3), dbSNP rs1306615154, ClinGen allele CA378217995.

ClinVar aggregate classification (germline): Uncertain significance. Review status: criteria provided, multiple submitters, no conflicts (2 of 4 stars). 2 submissions from 2 submitters: Uncertain significance (2). Last evaluated 2025-03-26.

Conditions:
SORCS3-related disorder. Also called: SORCS3-related condition.

gnomAD v4.1: 2 of 1,512,390 alleles (0.00013%); highest among the groups gnomAD compares: Non-Finnish European, 0.000088%; no homozygotes.

Submissions (2):

PreventionGenetics, part of Exact Sciences
Classification: Uncertain significance for SORCS3-related condition. Last evaluated: 2025-03-26. Review status: criteria provided, single submitter. Criteria: ACMG Guidelines, 2015. Collection method: clinical testing. Allele origin: germline.
Comment: The SORCS3 c.264G>T variant is predicted to result in the amino acid substitution p.Glu88Asp. To our knowledge, this variant has not been reported in the literature or in a large population database (gnomAD), indicating this variant is rare. At this time, the clinical significance of this variant is uncertain due to the absence of conclusive functional and genetic evidence.

Ambry Genetics
Classification: Uncertain significance. Last evaluated: 2022-12-16. Review status: criteria provided, single submitter. Criteria: Ambry Variant Classification Scheme 2023. Collection method: clinical testing. Allele origin: germline.